The following is an entry in ClinVar:

NM_152393.4(KLHL40):c.613G>T (p.Gly205Cys)

Gene: KLHL40 (kelch like family member 40; plus strand). Cytogenetic location: 3p22.1.
Variant type: single nucleotide variant.
Coding change: c.613G>T on transcript NM_152393.4 (MANE Select); coding-DNA position 613, G replaced by T.
Protein change: p.Gly205Cys; replaces glycine 205 with cysteine.
Molecular consequence: missense variant.
Genome position (GRCh38, 1-based): chr3:42,686,231, G>T. VCF-style: chr3-42686231-G-T. GRCh37 (hg19) VCF-style: chr3-42727723-G-T.
Other names: short protein forms G205C.
Identifiers: ClinVar variation 642297 (VCV000642297.7), dbSNP rs746095931, ClinGen allele CA2336699.

ClinVar aggregate classification (germline): Uncertain significance. Review status: criteria provided, multiple submitters, no conflicts (2 of 4 stars). 2 submissions from 2 submitters: Uncertain significance (2). Last evaluated 2024-10-24.

Conditions:
Nemaline myopathy 8 (NEM8). Also called: Nemaline myopathy 8, autosomal recessive. Identifiers: Orphanet 171430, MedGen C3809209, MONDO:0014138, OMIM 615348.

Allele frequency attached by ClinVar (database versions not stated): gnomAD below 0.00001 and 0.00001; ExAC 0.00036; gnomAD exomes 0.00024; TOPMed 0.00001.

Submissions (2):

Labcorp Genetics (formerly Invitae), Labcorp
Classification: Uncertain significance for Nemaline myopathy 8. Last evaluated: 2024-10-24. Review status: criteria provided, single submitter. Criteria: Invitae Variant Classification Sherloc (09022015). Collection method: clinical testing. Allele origin: germline.
Comment: This sequence change replaces glycine, which is neutral and non-polar, with cysteine, which is neutral and slightly polar, at codon 205 of the KLHL40 protein (p.Gly205Cys). This variant is present in population databases (rs746095931, gnomAD 0.2%), including at least one homozygous and/or hemizygous individual. This variant has not been reported in the literature in individuals affected with KLHL40-related conditions. ClinVar contains an entry for this variant (Variation ID: 642297). Invitae Evidence Modeling of protein sequence and biophysical properties (such as structural, functional, and spatial information, amino acid conservation, physicochemical variation, residue mobility, and thermodynamic stability) has been performed for this missense variant. However, the output from this modeling did not meet the statistical confidence thresholds required to predict the impact of this variant on KLHL40 protein function. In summary, the available evidence is currently insufficient to determine the role of this variant in disease. Therefore, it has been classified as a Variant of Uncertain Significance.

Revvity Omics, Revvity
Classification: Uncertain significance for Nemaline myopathy 8. Last evaluated: 2024-03-20. Review status: criteria provided, single submitter. Criteria: ACMG Guidelines, 2015. Collection method: clinical testing. Allele origin: germline.